The following is an entry in ClinVar:

ClinVar aggregate classification (germline): Uncertain significance (1 of 4 stars; one submission).

Submission:

Ambry Genetics
Classification: Uncertain significance. Last evaluated: 2025-03-31. Review status: criteria provided, single submitter. Criteria: Ambry Variant Classification Scheme 2023. Collection method: clinical testing. Allele origin: germline.
Comment: The p.P537S variant (also known as c.1609C>T), located in coding exon 8 of the ATRIP gene, results from a C to T substitution at nucleotide position 1609. The proline at codon 537 is replaced by serine, an amino acid with similar properties. This amino acid position is conserved. In addition, the in silico prediction for this alteration is inconclusive. Based on the available evidence, the clinical significance of this variant remains unclear.

NM_130384.3(ATRIP):c.1609C>T (p.Pro537Ser)

Genes: ATRIP (ATR interacting protein; plus strand), ATRIP-TREX1 (ATRIP-TREX1 readthrough; plus strand). Cytogenetic location: 3p21.31.
Variant type: single nucleotide variant.
Coding change: c.1609C>T on transcript NM_130384.3 (MANE Select); coding-DNA position 1609, C replaced by T.
Protein change: p.Pro537Ser; replaces proline 537 with serine.
Molecular consequence: missense variant. On other transcripts: non-coding transcript variant (1).
Genome position (GRCh38, 1-based): chr3:48,460,663, C>T. VCF-style: chr3-48460663-C-T. GRCh37 (hg19) VCF-style: chr3-48502062-C-T.
Other names: c.1228C>T, p.Pro410Ser (NM_001271022.2); c.1330C>T, p.Pro444Ser (NM_001271023.2); c.1609C>T, p.Pro537Ser (NM_032166.4); short protein forms P410S, P444S, P537S.
Identifiers: ClinVar variation 3975853 (VCV003975853.1).